The following is an entry in ClinVar:

ClinVar aggregate classification (germline): Uncertain significance (1 of 4 stars; one submission).

Allele frequency attached by ClinVar (database versions not stated): ExAC 0.00001; gnomAD exomes 0.00002 and 0.00008; TOPMed 0.00004; gnomAD 0.00005 and 0.00006.
gnomAD v4.1: 120 of 1,613,458 alleles (0.0074%); highest among the groups gnomAD compares: Non-Finnish European, 0.0097%; no homozygotes.

Submission:

Labcorp Genetics (formerly Invitae), Labcorp
Classification: Uncertain significance. Last evaluated: 2022-03-27. Review status: criteria provided, single submitter. Criteria: Invitae Variant Classification Sherloc (09022015). Collection method: clinical testing. Allele origin: germline.
Comment: This sequence change replaces proline, which is neutral and non-polar, with leucine, which is neutral and non-polar, at codon 120 of the CARMIL2 protein (p.Pro120Leu). This variant is present in population databases (rs201898634, gnomAD 0.008%). This variant has not been reported in the literature in individuals affected with CARMIL2-related conditions. Algorithms developed to predict the effect of missense changes on protein structure and function are either unavailable or do not agree on the potential impact of this missense change (SIFT: "Deleterious"; PolyPhen-2: "Probably Damaging"; Align-GVGD: "Class C0"). In summary, the available evidence is currently insufficient to determine the role of this variant in disease. Therefore, it has been classified as a Variant of Uncertain Significance.

NM_001013838.3(CARMIL2):c.359C>T (p.Pro120Leu)

Gene: CARMIL2 (capping protein regulator and myosin 1 linker 2; plus strand). Cytogenetic location: 16q22.1.
Variant type: single nucleotide variant.
Coding change: c.359C>T on transcript NM_001013838.3 (MANE Select); coding-DNA position 359, C replaced by T.
Protein change: p.Pro120Leu; replaces proline 120 with leucine.
Molecular consequence: missense variant.
Genome position (GRCh38, 1-based): chr16:67,646,295, C>T. VCF-style: chr16-67646295-C-T. GRCh37 (hg19) VCF-style: chr16-67680198-C-T.
Other names: c.359C>T, p.Pro120Leu (NM_001317026.3); short protein forms P120L.
Identifiers: ClinVar variation 1398655 (VCV001398655.5), dbSNP rs201898634, ClinGen allele CA8113026.